The following is an entry in ClinVar:

ClinVar aggregate classification (germline): Uncertain significance. Review status: criteria provided, multiple submitters, no conflicts (2 of 4 stars). 2 submissions from 2 submitters: Uncertain significance (2). Last evaluated 2023-08-04.

Submissions (2):

Revvity Omics, Revvity
Classification: Uncertain significance. Last evaluated: 2023-08-04. Review status: criteria provided, single submitter. Criteria: ACMG Guidelines, 2015. Collection method: clinical testing. Allele origin: germline.

CeGaT Center for Human Genetics Tuebingen
Classification: Uncertain significance. Last evaluated: 2023-03-01. Review status: criteria provided, single submitter. Criteria: CeGaT Center For Human Genetics Tuebingen Variant Classification Criteria Version 2. Collection method: clinical testing. Allele origin: germline. Affected: yes. Observed: 1 variant allele.
Comment: KMT2B: PM2

NM_014727.3(KMT2B):c.2624CTG[1] (p.Ala876del)

Gene: KMT2B (lysine methyltransferase 2B; plus strand). Cytogenetic location: 19q13.12.
Variant type: Microsatellite.
Coding change: c.2624CTG[1] on transcript NM_014727.3 (MANE Select); one copy of the 3-base unit CTG starting at c.2624; the reference has two copies in a row; one copy, 3 bases deleted; also written c.2627_2629del.
Protein change: p.Ala876del; deletes alanine 876.
Molecular consequence: inframe deletion.
Genome position (GRCh38, 1-based): chr19:35,722,623-35,722,625, CTG deleted; deleting any 3 consecutive bases within chr19:35,722,618-35,722,625 gives the same sequence; the position shown is the placement nearest the transcript's 3' end. VCF-style (leftmost placement, unchanged base first): chr19-35722617-ATGC-A. GRCh37 (hg19) VCF-style: chr19-36213519-ATGC-A.
Other names: c.2627_2629del (NM_014727.2); short protein forms A876del.
Identifiers: ClinVar variation 2649736 (VCV002649736.26), dbSNP rs766877314, ClinGen allele CA9384515.